The following is an entry in ClinVar:

NM_001151.4(SLC25A4):c.893T>C (p.Val298Ala)

Gene: SLC25A4 (solute carrier family 25 member 4; plus strand). Cytogenetic location: 4q35.1.
Variant type: single nucleotide variant.
Coding change: c.893T>C on transcript NM_001151.4 (MANE Select); coding-DNA position 893, T replaced by C.
Protein change: p.Val298Ala; replaces valine 298 with alanine.
Molecular consequence: missense variant.
Genome position (GRCh38, 1-based): chr4:185,146,967, T>C. VCF-style: chr4-185146967-T-C. GRCh37 (hg19) VCF-style: chr4-186068121-T-C.
Other names: short protein forms V298A.
Identifiers: ClinVar variation 3668284 (VCV003668284.2).
Genomic context (GRCh38, chr4:185,146,967, plus strand): 5'-TGCTGAGAGGCATGGGCGGTGCTTTTGTATTGGTGTTGTATGATGAGATCAAAAAATATG[T>C]CTAATGTAATTAAAACACAAGTTCACAGATTTACAGTGAACTTGATCTACAAGTTCACAG-3'
Protein context (NP_001142.2, residues 288-298): LVLYDEIKKY[Val298Ala]

ClinVar aggregate classification (germline): Uncertain significance (1 of 4 stars; one submission).

gnomAD v4.1: 1 of 1,613,628 alleles (0.000062%); highest among the groups gnomAD compares: East Asian, 0.0022%; no homozygotes.

Submission:

Labcorp Genetics (formerly Invitae), Labcorp
Classification: Uncertain significance. Last evaluated: 2024-10-30. Review status: criteria provided, single submitter. Criteria: Invitae Variant Classification Sherloc (09022015). Collection method: clinical testing. Allele origin: germline.
Comment: This sequence change replaces valine, which is neutral and non-polar, with alanine, which is neutral and non-polar, at codon 298 of the SLC25A4 protein (p.Val298Ala). This variant is present in population databases (rs752314517, gnomAD 0.02%). This variant has not been reported in the literature in individuals affected with SLC25A4-related conditions. An algorithm developed to predict the effect of missense changes on protein structure and function (PolyPhen-2) suggests that this variant is likely to be tolerated. In summary, the available evidence is currently insufficient to determine the role of this variant in disease. Therefore, it has been classified as a Variant of Uncertain Significance.